The following is an entry in ClinVar:

NM_000057.4(BLM):c.1903G>A (p.Ala635Thr)

Gene: BLM (BLM RecQ like helicase; plus strand). Cytogenetic location: 15q26.1.
Variant type: single nucleotide variant.
Coding change: c.1903G>A on transcript NM_000057.4 (MANE Select); coding-DNA position 1903, G replaced by A.
Protein change: p.Ala635Thr; replaces alanine 635 with threonine.
Molecular consequence: missense variant.
Genome position (GRCh38, 1-based): chr15:90,762,986, G>A. VCF-style: chr15-90762986-G-A. GRCh37 (hg19) VCF-style: chr15-91306216-G-A.
Other names: c.1903G>A, p.Ala635Thr (NM_001287246.2, NM_001287247.2); c.778G>A, p.Ala260Thr (NM_001287248.2); short protein forms A635T, A260T.
Identifiers: ClinVar variation 1782349 (VCV001782349.3), dbSNP rs2505434474, ClinGen allele CA393844106.
Genomic context (GRCh38, chr15:90,762,986, plus strand): 5'-TTCATGTACTGATTTTTCTTAACGTTGATTATTTTCCTAGACAAGTCAGCACAAAATTTA[G>A]CATCCAGAAATCTGAAACATGAGCGTTTCCAAAGTCTTAGTTTTCCTCATACAAAGGAAA-3'
Protein context (NP_000048.1, residues 625-645): NYTDKSAQNL[Ala635Thr]SRNLKHERFQ

ClinVar aggregate classification (germline): Uncertain significance (1 of 4 stars; one submission).

Conditions:
Hereditary cancer-predisposing syndrome. Also called: Neoplastic Syndromes, Hereditary; Tumor predisposition; Hereditary Cancer Syndrome; Hereditary neoplastic syndrome. Identifiers: Orphanet 140162, MedGen C0027672, MeSH D009386, MONDO:0015356.

Submission:

Ambry Genetics
Classification: Uncertain significance for Hereditary cancer-predisposing syndrome. Last evaluated: 2025-10-29. Review status: criteria provided, single submitter. Criteria: Ambry Variant Classification Scheme 2023. Collection method: clinical testing. Allele origin: germline.
Comment: The p.A635T variant (also known as c.1903G>A), located in coding exon 7 of the BLM gene, results from a G to A substitution at nucleotide position 1903. The alanine at codon 635 is replaced by threonine, an amino acid with similar properties. This amino acid position is not well conserved in available vertebrate species, and threonine is the reference amino acid in other vertebrate species. In addition, this alteration is predicted to be tolerated by in silico analysis. Since supporting evidence is limited at this time, the clinical significance of this alteration remains unclear.